The following is an entry in ClinVar:

ClinVar aggregate classification (germline): Uncertain significance (1 of 4 stars; one submission).

gnomAD v4.1: 16 of 1,612,542 alleles (0.00099%); highest among the groups gnomAD compares: African/African-American, 0.0013%; no homozygotes.

Submission:

GeneDx
Classification: Uncertain significance. Last evaluated: 2026-02-25. Review status: criteria provided, single submitter. Criteria: GeneDx Variant Classification Process June 2021. Collection method: clinical testing. Allele origin: germline.
Comment: Not observed at significant frequency in large population cohorts (gnomAD); In silico analysis supports that this missense variant has a deleterious effect on protein structure/function; Has not been previously published as pathogenic or benign to our knowledge; In silico analysis is inconclusive as to whether the variant alters gene splicing. In the absence of RNA/functional studies, the actual effect of this sequence change is unknown.

NM_001378452.1(ITPR1):c.5221G>T (p.Gly1741Cys)

Gene: ITPR1 (inositol 1,4,5-trisphosphate receptor type 1; plus strand). Cytogenetic location: 3p26.1.
Variant type: single nucleotide variant.
Coding change: c.5221G>T on transcript NM_001378452.1 (MANE Select); coding-DNA position 5221, G replaced by T.
Protein change: p.Gly1741Cys; replaces glycine 1741 with cysteine.
Molecular consequence: missense variant.
Genome position (GRCh38, 1-based): chr3:4,733,088, G>T. VCF-style: chr3-4733088-G-T. GRCh37 (hg19) VCF-style: chr3-4774772-G-T.
Other names: c.5077G>T, p.Gly1693Cys (NM_001099952.4); c.5176G>T, p.Gly1726Cys (NM_001168272.2); c.5032G>T, p.Gly1678Cys (NM_002222.7); short protein forms G1726C, G1741C, G1678C, G1693C.
Identifiers: ClinVar variation 5007943 (VCV005007943.1).
Genomic context (GRCh38, chr3:4,733,088, plus strand): 5'-TTCGTCCCTCGGTGATGCATTAAATGCAGAAGCTGATTTTATTATCCTGTTTGAATTAAG[G>T]GTGAGGCGCTCAGGCAAGTTCTGGTCAACCGTTACTATGGAAACGTCAGACCTTCGGGAC-3'
Protein context (NP_001365381.1, residues 1731-1751): PLRQLEDHKR[Gly1741Cys]EALRQVLVNR